The following is an entry in ClinVar:

NM_058246.4(DNAJB6):c.976del (p.His326fs)

Gene: DNAJB6 (DnaJ heat shock protein family (Hsp40) member B6; plus strand). Cytogenetic location: 7q36.3.
Variant type: Deletion.
Coding change: c.976del on transcript NM_058246.4 (MANE Select); coding-DNA position 976, one base deleted (C; older notation c.976delC).
Protein change: p.His326fs; shifts the reading frame from histidine 326.
Molecular consequence: frameshift variant.
Genome position (GRCh38, 1-based): chr7:157,416,093, C deleted. VCF-style (leftmost placement, unchanged base first): chr7-157416092-TC-T. GRCh37 (hg19) VCF-style: chr7-157208786-TC-T.
Other names: c.631del, p.His211fs (NM_001363676.1); short protein forms H211fs, H326fs.
Identifiers: ClinVar variation 4883867 (VCV004883867.2).

ClinVar aggregate classification (germline): Uncertain significance (1 of 4 stars; one submission).

Submission:

Dasa
Classification: Uncertain significance. Last evaluated: 2025-02-11. Review status: criteria provided, single submitter. Criteria: DASA Assertion Criteria. Collection method: clinical testing. Allele origin: germline.
Comment: NM_058246.4(DNAJB6):c.976del (p.His326Thrfs*28) is a frameshift variant in DNAJB6 predicted to alter the reading frame and introduce a premature termination codon. This variant is absent from population databases. The currently available literature and clinical evidence are not sufficient to establish a definitive association between this variant and the reported condition. Therefore, this variant is classified as a variant of uncertain significance.